The following is an entry in ClinVar:

NM_001382391.1(CSPP1):c.2594A>T (p.Lys865Ile)

Gene: CSPP1 (centrosome and spindle pole associated protein 1; plus strand). Cytogenetic location: 8q13.2.
Variant type: single nucleotide variant.
Coding change: c.2594A>T on transcript NM_001382391.1 (MANE Select); coding-DNA position 2594, A replaced by T.
Protein change: p.Lys865Ile; replaces lysine 865 with isoleucine.
Molecular consequence: missense variant.
Genome position (GRCh38, 1-based): chr8:67,161,866, A>T. VCF-style: chr8-67161866-A-T. GRCh37 (hg19) VCF-style: chr8-68074101-A-T.
Other names: c.1544A>T, p.Lys515Ile (NM_001291339.2); c.2513A>T, p.Lys838Ile (NM_001363131.2); c.2399A>T, p.Lys800Ile (NM_001363132.2); c.2318A>T, p.Lys773Ile (NM_001363133.2); c.2660A>T, p.Lys887Ile (NM_001364869.1); c.2480A>T, p.Lys827Ile (NM_001364870.1); c.2579A>T, p.Lys860Ile (NM_024790.7); short protein forms K515I, K773I, K800I, K887I, K827I, K838I, K860I, K865I.
Identifiers: ClinVar variation 859016 (VCV000859016.11), dbSNP rs1828425319, ClinGen allele CA371192261.

ClinVar aggregate classification (germline): Uncertain significance (1 of 4 stars; one submission).

Conditions:
Joubert syndrome 21 (JBTS21). Identifiers: MedGen C3810212, MONDO:0014288, OMIM 615636.

Submission:

Labcorp Genetics (formerly Invitae), Labcorp
Classification: Uncertain significance for Joubert syndrome 21. Last evaluated: 2022-07-19. Review status: criteria provided, single submitter. Criteria: Invitae Variant Classification Sherloc (09022015). Collection method: clinical testing. Allele origin: germline.
Comment: This sequence change replaces lysine, which is basic and polar, with isoleucine, which is neutral and non-polar, at codon 860 of the CSPP1 protein (p.Lys860Ile). This variant is not present in population databases (gnomAD no frequency). This variant has not been reported in the literature in individuals affected with CSPP1-related conditions. ClinVar contains an entry for this variant (Variation ID: 859016). Algorithms developed to predict the effect of missense changes on protein structure and function are either unavailable or do not agree on the potential impact of this missense change (SIFT: "Deleterious"; PolyPhen-2: "Possibly Damaging"; Align-GVGD: "Class C0"). In summary, the available evidence is currently insufficient to determine the role of this variant in disease. Therefore, it has been classified as a Variant of Uncertain Significance.